The following is an entry in ClinVar:

NM_144573.4(NEXN):c.688-1G>A

Gene: NEXN (nexilin F-actin binding protein; plus strand). Cytogenetic location: 1p31.1.
Variant type: single nucleotide variant.
Coding change: c.688-1G>A on transcript NM_144573.4 (MANE Select); the canonical splice acceptor site of the intron before coding-DNA position 688, G replaced by A.
Molecular consequence: splice acceptor variant.
Genome position (GRCh38, 1-based): chr1:77,926,715, G>A. VCF-style: chr1-77926715-G-A. GRCh37 (hg19) VCF-style: chr1-78392400-G-A.
Other names: c.496-1G>A (NM_001172309.2).
Identifiers: ClinVar variation 2156496 (VCV002156496.1), dbSNP rs761030548, ClinGen allele CA340873380.
Genomic context (GRCh38, chr1:77,926,715, plus strand): 5'-GTTTAAGTTAGCAGCATTTTCCTTTATGACTAAAAGGTGGGTTTTCATAACGTTTTCTTA[G>A]GATGATGAAATAGAAAGTGAAGCAAAAAAAGAATCACTTTCTCCCGGAAAATTGAAACTA-3'

ClinVar aggregate classification (germline): Likely pathogenic (1 of 4 stars; one submission).

Conditions:
Dilated cardiomyopathy 1CC (CMD1CC). Identifiers: Orphanet 154, MedGen C2751084, MONDO:0013147, OMIM 613122.
Hypertrophic cardiomyopathy 20. Identifiers: MedGen C3151267, MONDO:0013477, OMIM 613876.

Submission:

Labcorp Genetics (formerly Invitae), Labcorp
Classification: Likely pathogenic for Dilated cardiomyopathy 1CC; Hypertrophic cardiomyopathy 20. Last evaluated: 2022-07-05. Review status: criteria provided, single submitter. Criteria: Invitae Variant Classification Sherloc (09022015). Collection method: clinical testing. Allele origin: germline.
Comment: This sequence change affects an acceptor splice site in intron 7 of the NEXN gene. It is expected to disrupt RNA splicing. Variants that disrupt the donor or acceptor splice site typically lead to a loss of protein function (PMID: 16199547), and loss-of-function variants in NEXN are known to be pathogenic (PMID: 32058062, 32814711, 32870709, 33949776). This variant is not present in population databases (gnomAD no frequency). This variant has not been reported in the literature in individuals affected with NEXN-related conditions. Algorithms developed to predict the effect of sequence changes on RNA splicing suggest that this variant may disrupt the consensus splice site. In summary, the currently available evidence indicates that the variant is pathogenic, but additional data are needed to prove that conclusively. Therefore, this variant has been classified as Likely Pathogenic.

Literature cited by the submitters: PubMed 16199547; PubMed 32058062; PubMed 32814711; PubMed 32870709; PubMed 33949776.